The following is an entry in ClinVar:

NM_005732.4(RAD50):c.2335A>G (p.Met779Val)

Gene: RAD50 (RAD50 double strand break repair protein; plus strand). Cytogenetic location: 5q31.1.
Variant type: single nucleotide variant.
Coding change: c.2335A>G on transcript NM_005732.4 (MANE Select); coding-DNA position 2335, A replaced by G.
Protein change: p.Met779Val; replaces methionine 779 with valine.
Molecular consequence: missense variant.
Genome position (GRCh38, 1-based): chr5:132,603,427, A>G. VCF-style: chr5-132603427-A-G. GRCh37 (hg19) VCF-style: chr5-131939119-A-G.
Other names: short protein forms M779V.
Identifiers: ClinVar variation 234045 (VCV000234045.13), dbSNP rs876660815, ClinGen allele CA10578561.

ClinVar aggregate classification (germline): Uncertain significance. Review status: criteria provided, multiple submitters, no conflicts (2 of 4 stars). 2 submissions from 2 submitters: Uncertain significance (2). Last evaluated 2021-01-31.

Conditions:
Hereditary cancer-predisposing syndrome. Also called: Neoplastic Syndromes, Hereditary; Tumor predisposition; Hereditary Cancer Syndrome; Hereditary neoplastic syndrome. Identifiers: Orphanet 140162, MedGen C0027672, MeSH D009386, MONDO:0015356.

Allele frequency attached by ClinVar (database versions not stated): gnomAD exomes below 0.00001.
gnomAD v4.1: 1 of 1,613,996 alleles (0.000062%); highest among the groups gnomAD compares: East Asian, 0.0022%; no homozygotes.

Submissions (2):

Labcorp Genetics (formerly Invitae), Labcorp
Classification: Uncertain significance for Hereditary cancer-predisposing syndrome. Last evaluated: 2021-01-31. Review status: criteria provided, single submitter. Criteria: Invitae Variant Classification Sherloc (09022015). Collection method: clinical testing. Allele origin: germline.
Comment: In summary, the available evidence is currently insufficient to determine the role of this variant in disease. Therefore, it has been classified as a Variant of Uncertain Significance. Algorithms developed to predict the effect of sequence changes on RNA splicing suggest that this variant may create or strengthen a splice site, but this prediction has not been confirmed by published transcriptional studies. Algorithms developed to predict the effect of missense changes on protein structure and function (SIFT, PolyPhen-2, Align-GVGD) all suggest that this variant is likely to be tolerated, but these predictions have not been confirmed by published functional studies and their clinical significance is uncertain. This variant has not been reported in the literature in individuals with RAD50-related conditions. ClinVar contains an entry for this variant (Variation ID: 234045). This variant is not present in population databases (ExAC no frequency). This sequence change replaces methionine with valine at codon 779 of the RAD50 protein (p.Met779Val). The methionine residue is weakly conserved and there is a small physicochemical difference between methionine and valine.

Ambry Genetics
Classification: Uncertain significance for Hereditary cancer-predisposing syndrome. Last evaluated: 2015-09-17. Review status: criteria provided, single submitter. Criteria: Ambry Variant Classification Scheme 2023. Collection method: clinical testing. Allele origin: germline.
Comment: The p.M779V variant (also known as c.2335A>G), located in coding exon 14 of the RAD50 gene, results from an A to G substitution at nucleotide position 2335. The methionine at codon 779 is replaced by valine, an amino acid with highly similar properties. This variant was not reported in population based cohorts in the following databases: Database of Single Nucleotide Polymorphisms (dbSNP), NHLBI Exome Sequencing Project (ESP), and 1000 Genomes Project. In the ESP, this variant was not observed in 6503 samples (13006 alleles) with coverage at this position. To date, this alteration has been detected with an allele frequency of approximately 0.002% (greater than 65000 alleles tested) in our clinical cohort. This amino acid position is not well conserved in available vertebrate species. In addition, this alteration is predicted to be tolerated by in silico analysis. Since supporting evidence is limited at this time, the clinical significance of p.M779V remains unclear.